The following is an entry in ClinVar:

ClinVar aggregate classification (germline): Conflicting classifications of pathogenicity. Review status: criteria provided, conflicting classifications (1 of 4 stars). 5 submissions from 5 submitters: Uncertain significance (3); Benign (1); Likely benign (1). Last evaluated 2025-11-13.

Conditions:
Hereditary cancer-predisposing syndrome. Also called: Hereditary neoplastic syndrome; Tumor predisposition; Hereditary Cancer Syndrome; Neoplastic Syndromes, Hereditary. Identifiers: Orphanet 140162, MedGen C0027672, MeSH D009386, MONDO:0015356.
Tuberous sclerosis 2 (TSC2). Identifiers: Orphanet 805, MedGen C1860707, MONDO:0013199, OMIM 613254.
Tuberous sclerosis syndrome (TSC). Also called: Tuberous Sclerosis Complex; Tuberous sclerosis. Identifiers: Orphanet 805, MedGen C0041341, MONDO:0001734.

Allele frequency attached by ClinVar (database versions not stated): gnomAD 0.00003; TOPMed 0.00004.
gnomAD v4.1: 6 of 1,613,046 alleles (0.00037%); highest among the groups gnomAD compares: African/African-American, 0.008%; no homozygotes.

Submissions (5):

Labcorp Genetics (formerly Invitae), Labcorp
Classification: Likely benign for Tuberous sclerosis 2. Last evaluated: 2025-11-13. Review status: criteria provided, single submitter. Criteria: Invitae Variant Classification Sherloc (09022015). Collection method: clinical testing. Allele origin: germline.

GeneDx
Classification: Uncertain significance. Last evaluated: 2025-05-28. Review status: criteria provided, single submitter. Criteria: GeneDx Variant Classification Process June 2021. Collection method: clinical testing. Allele origin: germline. Affected: yes.
Comment: In silico analysis suggests this variant may impact gene splicing. In the absence of RNA/functional studies, the actual effect of this sequence change is unknown.; Has not been previously published as pathogenic or benign to our knowledge

Quest Diagnostics Nichols Institute San Juan Capistrano
Classification: Uncertain significance. Last evaluated: 2024-10-10. Review status: criteria provided, single submitter. Criteria: Quest Diagnostics criteria. Collection method: clinical testing. Allele origin: unknown.
Comment: The TSC2 c.5161-5C>A variant has not been reported in individuals with TSC2-related conditions in the published literature. The frequency of this variant in the general population, 0.000032 (1/31354 chromosomes (Genome Aggregation Database)), is uninformative in the assessment of its pathogenicity. Analysis of this variant using software algorithms for the prediction of the effect of nucleotide changes on TSC2 mRNA splicing yielded inconclusive findings. Based on the available information, we are unable to determine the clinical significance of this variant.

Ambry Genetics
Classification: Benign for Hereditary cancer-predisposing syndrome. Last evaluated: 2024-04-22. Review status: criteria provided, single submitter. Criteria: Ambry Variant Classification Scheme 2023. Collection method: clinical testing. Allele origin: germline.

All of Us Research Program, National Institutes of Health
Classification: Uncertain significance for Tuberous sclerosis syndrome. Last evaluated: 2024-04-16. Review status: criteria provided, single submitter. Criteria: ACMG Guidelines, 2015. Collection method: clinical testing. Allele origin: germline. Inheritance: Autosomal dominant inheritance. Observed: 1 variant allele, 1 heterozygote.
Comment: This variant causes a C to A nucleotide substitution at the -5 position of intron 40 of the TSC2 gene. Splice site prediction tools suggest that this variant may not impact RNA splicing. To our knowledge, functional studies have not been reported for this variant. This variant has not been reported in individuals affected with TSC2-related disorders in the literature. This variant has been identified in 1/31354 chromosomes in the general population by the Genome Aggregation Database (gnomAD). The available evidence is insufficient to determine the role of this variant in disease conclusively. Therefore, this variant is classified as a Variant of Uncertain Significance.

This study involves interpretation of variants in research participants for the purpose of population health screening. Participant phenotype was not available at the time of variant classification. Additional details can be found in publication PMID: 35346344, PMCID: PMC8962531

NM_000548.5(TSC2):c.5161-5C>A

Gene: TSC2 (TSC complex subunit 2; plus strand). Cytogenetic location: 16p13.3.
Variant type: single nucleotide variant.
Coding change: c.5161-5C>A on transcript NM_000548.5 (MANE Select); 5 bases into the intron before coding-DNA position 5161, C replaced by A.
Molecular consequence: intron variant.
Genome position (GRCh38, 1-based): chr16:2,088,222, C>A. VCF-style: chr16-2088222-C-A. GRCh37 (hg19) VCF-style: chr16-2138223-C-A.
Other names: c.5092-5C>A (NM_001114382.3); c.5032-5C>A (NM_021055.3); c.5032-17C>A (NM_001370405.1); c.4963-5C>A (NM_001363528.2); c.5029-5C>A (NM_001370404.1); c.4960-5C>A (NM_001077183.3); c.4852-5C>A (NM_001318827.2); c.4429-5C>A (NM_001318831.2); and 2 more.
Identifiers: ClinVar variation 576992 (VCV000576992.16), dbSNP rs775534948, ClinGen allele CA276759298.